The following is an entry in ClinVar:

ClinVar aggregate classification (germline): Conflicting classifications of pathogenicity. Review status: criteria provided, conflicting classifications (1 of 4 stars). 4 submissions from 4 submitters: Uncertain significance (3); Likely benign (1). Last evaluated 2025-12-16.

Conditions:
CHD7-related disorder. Also called: CHD7-related condition.
Hypogonadotropic hypogonadism 5 with or without anosmia (KAL5). Also called: HYPOGONADOTROPIC HYPOGONADISM 5 WITH ANOSMIA; HYPOGONADOTROPHIC HYPOGONADISM 5 WITHOUT ANOSMIA; CHD7-Related GnRH Deficiency (Kallmann Syndrome 5). Identifiers: Orphanet 478, MedGen C3552553, MONDO:0012880, OMIM 612370. Disease mechanism: loss of function.
CHARGE syndrome (CHARGE). Also called: Hittner Hirsch Kreh syndrome; CHARGE ASSOCIATION--COLOBOMA, HEART ANOMALY, CHOANAL ATRESIA, RETARDATION, GENITAL AND EAR ANOMALIES; Coloboma, heart anomaly, choanal atresia, retardation, genital and ear anomalies; CHARGE association; Hall-Hittner syndrome. Identifiers: Orphanet 138, MedGen C0265354, MONDO:0008965.

Allele frequency attached by ClinVar (database versions not stated): gnomAD exomes below 0.00001; TOPMed 0.00001; ExAC 0.00002.
gnomAD v4.1: 2 of 1,613,638 alleles (0.00012%); highest among the groups gnomAD compares: Admixed American, 0.0017%; no homozygotes.

Submissions (4):

PreventionGenetics, part of Exact Sciences
Classification: Uncertain significance for CHD7-related condition. Last evaluated: 2025-12-16. Review status: criteria provided, single submitter. Criteria: ACMG Guidelines, 2015. Collection method: clinical testing. Allele origin: germline.
Comment: The CHD7 c.518C>T variant is predicted to result in the amino acid substitution p.Ala173Val. To our knowledge, this variant has not been reported in the literature. This variant is reported in 0.0029% of alleles in individuals of Latino descent in gnomAD. At this time, the clinical significance of this variant is uncertain due to the absence of conclusive functional and genetic evidence.

Labcorp Genetics (formerly Invitae), Labcorp
Classification: Likely benign for CHARGE syndrome. Last evaluated: 2025-07-20. Review status: criteria provided, single submitter. Criteria: Invitae Variant Classification Sherloc (09022015). Collection method: clinical testing. Allele origin: germline.

Fulgent Genetics
Classification: Uncertain significance for CHD7-related CHARGE syndrome; Hypogonadotropic hypogonadism 5 with or without anosmia. Last evaluated: 2024-05-04. Review status: criteria provided, single submitter. Criteria: ACMG Guidelines, 2015. Collection method: clinical testing. Allele origin: germline.

GeneDx
Classification: Uncertain significance. Last evaluated: 2024-02-25. Review status: criteria provided, single submitter. Criteria: GeneDx Variant Classification Process June 2021. Collection method: clinical testing. Allele origin: germline. Affected: yes.
Comment: Not observed at significant frequency in large population cohorts (gnomAD); In silico analysis supports that this missense variant does not alter protein structure/function; Has not been previously published as pathogenic or benign to our knowledge

NM_017780.4(CHD7):c.518C>T (p.Ala173Val)

Gene: CHD7 (chromodomain helicase DNA binding protein 7; plus strand). Cytogenetic location: 8q12.2.
Variant type: single nucleotide variant.
Coding change: c.518C>T on transcript NM_017780.4 (MANE Select); coding-DNA position 518, C replaced by T.
Protein change: p.Ala173Val; replaces alanine 173 with valine.
Molecular consequence: missense variant.
Genome position (GRCh38, 1-based): chr8:60,741,950, C>T. VCF-style: chr8-60741950-C-T. GRCh37 (hg19) VCF-style: chr8-61654509-C-T.
Other names: c.518C>T (NM_017780.3); c.518C>T, p.Ala173Val (NM_001316690.1); short protein forms A173V.
Identifiers: ClinVar variation 2962477 (VCV002962477.6), dbSNP rs759229667, ClinGen allele CA4759333.